The following is an entry in ClinVar:

ClinVar aggregate classification (germline): Uncertain significance. Review status: criteria provided, multiple submitters, no conflicts (2 of 4 stars). 3 submissions from 3 submitters: Uncertain significance (3). Last evaluated 2025-04-16.

Conditions:
Hereditary cancer-predisposing syndrome. Also called: Hereditary neoplastic syndrome; Neoplastic Syndromes, Hereditary; Hereditary Cancer Syndrome; Tumor predisposition. Identifiers: Orphanet 140162, MedGen C0027672, MeSH D009386, MONDO:0015356.
Gastrointestinal stromal tumor. Also called: Gastrointestinal stromal tumor, somatic; Gastrointestinal stroma tumor. Identifiers: Orphanet 44890, MedGen C0238198, MeSH D046152, MONDO:0011719, OMIM 606764, HP:0100723.
Pheochromocytoma/paraganglioma syndrome 3. Also called: GLOMUS TUMORS, FAMILIAL, 3; SDHC-Related Hereditary Paraganglioma-Pheochromocytoma Syndrome; Paragangliomas 3; SDHC-Related Hereditary Paraganglioma-Pheochromocytoma Syndrome (Paragangliomas 3). Identifiers: Orphanet 29072, MedGen C1854336, MONDO:0011544, OMIM 605373.
Hereditary pheochromocytoma and paraganglioma. Also called: Hereditary pheochromocytoma-paraganglioma; Hereditary Paraganglioma-Pheochromocytoma Syndromes; Hereditary paragangliomas and pheochromocytomas. Identifiers: Orphanet 29072, MedGen C4274332, MONDO:0017366.

Allele frequency attached by ClinVar (database versions not stated): TOPMed below 0.00001.
gnomAD v4.1: 1 of 1,611,726 alleles (0.000062%); highest among the groups gnomAD compares: Non-Finnish European, 0.000085%; no homozygotes.

Submissions (3):

Ambry Genetics
Classification: Uncertain significance for Hereditary cancer-predisposing syndrome. Last evaluated: 2025-04-16. Review status: criteria provided, single submitter. Criteria: Ambry Variant Classification Scheme 2023. Collection method: clinical testing. Allele origin: germline.
Comment: The p.L6V variant (also known as c.16C>G), located in coding exon 1 of the SDHC gene, results from a C to G substitution at nucleotide position 16. The leucine at codon 6 is replaced by valine, an amino acid with highly similar properties. This amino acid position is well conserved in available vertebrate species. In silico splice site analysis predicts that this alteration may weaken the native splice donor site and will result in the creation or strengthening of a novel splice donor site; however, direct evidence is insufficient at this time (Ambry internal data). In addition, as a missense substitution, the in silico prediction for this alteration is inconclusive. Based on the available evidence, the clinical significance of this variant remains unclear.

All of Us Research Program, National Institutes of Health
Classification: Uncertain significance for Hereditary pheochromocytoma and paraganglioma. Last evaluated: 2024-02-22. Review status: criteria provided, single submitter. Criteria: ACMG Guidelines, 2015. Collection method: clinical testing. Allele origin: germline. Inheritance: Autosomal dominant inheritance. Observed: 1 variant allele, 1 heterozygote.
Comment: This missense variant replaces leucine with valine at codon 6 of the SDHC protein. Computational prediction suggests that this variant may not impact protein structure and function (internally defined REVEL score threshold <= 0.5, PMID: 27666373). To our knowledge, functional studies have not been reported for this variant. This variant has not been reported in individuals affected with SDHC-related disorders in the literature. This variant has not been identified in the general population by the Genome Aggregation Database (gnomAD). The available evidence is insufficient to determine the role of this variant in disease conclusively. Therefore, this variant is classified as a Variant of Uncertain Significance.

This study involves interpretation of variants in research participants for the purpose of population health screening. Participant phenotype was not available at the time of variant classification. Additional details can be found in publication PMID: 35346344, PMCID: PMC8962531

Labcorp Genetics (formerly Invitae), Labcorp
Classification: Uncertain significance for Pheochromocytoma/paraganglioma syndrome 3; Gastrointestinal stromal tumor. Last evaluated: 2022-04-08. Review status: criteria provided, single submitter. Criteria: Invitae Variant Classification Sherloc (09022015). Collection method: clinical testing. Allele origin: germline.
Comment: Algorithms developed to predict the effect of missense changes on protein structure and function (SIFT, PolyPhen-2, Align-GVGD) all suggest that this variant is likely to be tolerated. This sequence change replaces leucine, which is neutral and non-polar, with valine, which is neutral and non-polar, at codon 6 of the SDHC protein (p.Leu6Val). This variant is not present in population databases (gnomAD no frequency). This variant has not been reported in the literature in individuals affected with SDHC-related conditions. ClinVar contains an entry for this variant (Variation ID: 945584). Algorithms developed to predict the effect of sequence changes on RNA splicing suggest that this variant may disrupt the consensus splice site. In summary, the available evidence is currently insufficient to determine the role of this variant in disease. Therefore, it has been classified as a Variant of Uncertain Significance.

NM_003001.5(SDHC):c.16C>G (p.Leu6Val)

Gene: SDHC (succinate dehydrogenase complex subunit C; plus strand). Cytogenetic location: 1q23.3.
Variant type: single nucleotide variant.
Coding change: c.16C>G on transcript NM_003001.5 (MANE Select); coding-DNA position 16, C replaced by G.
Protein change: p.Leu6Val; replaces leucine 6 with valine.
Molecular consequence: missense variant.
Genome position (GRCh38, 1-based): chr1:161,314,421, C>G. VCF-style: chr1-161314421-C-G. GRCh37 (hg19) VCF-style: chr1-161284211-C-G.
Other names: c.16C>G, p.Leu6Val (NM_001035511.3, NM_001035512.3, NM_001035513.3 and 6 more transcripts); c.-545C>G (NM_001407119.1); c.-214C>G (NM_001407120.1); short protein forms L6V.
Identifiers: ClinVar variation 945584 (VCV000945584.13), dbSNP rs1325823872, ClinGen allele CA343355002.